The following is an entry in ClinVar:

ClinVar aggregate classification (germline): Uncertain significance (1 of 4 stars; one submission).

gnomAD v4.1: 2 of 1,613,912 alleles (0.00012%); highest among the groups gnomAD compares: Non-Finnish European, 0.00017%; no homozygotes.

Submission:

Labcorp Genetics (formerly Invitae), Labcorp
Classification: Uncertain significance. Last evaluated: 2025-08-20. Review status: criteria provided, single submitter. Criteria: Invitae Variant Classification Sherloc (09022015). Collection method: clinical testing. Allele origin: germline.
Comment: This sequence change replaces glycine, which is neutral and non-polar, with arginine, which is basic and polar, at codon 1001 of the WHSC1 protein (p.Gly1001Arg). This variant is not present in population databases (gnomAD no frequency). This variant has not been reported in the literature in individuals affected with WHSC1-related conditions. Invitae Evidence Modeling of protein sequence and biophysical properties (such as structural, functional, and spatial information, amino acid conservation, physicochemical variation, residue mobility, and thermodynamic stability) indicates that this missense variant is expected to disrupt WHSC1 protein function with a positive predictive value of 80%. In summary, the available evidence is currently insufficient to determine the role of this variant in disease. Therefore, it has been classified as a Variant of Uncertain Significance.

NM_001042424.3(NSD2):c.3001G>A (p.Gly1001Arg)

Gene: NSD2 (nuclear receptor binding SET domain protein 2; plus strand). Cytogenetic location: 4p16.3.
Variant type: single nucleotide variant.
Coding change: c.3001G>A on transcript NM_001042424.3 (MANE Select); coding-DNA position 3001, G replaced by A.
Protein change: p.Gly1001Arg; replaces glycine 1001 with arginine.
Molecular consequence: missense variant. On other transcripts: intron variant (1).
Genome position (GRCh38, 1-based): chr4:1,959,486, G>A. VCF-style: chr4-1959486-G-A. GRCh37 (hg19) VCF-style: chr4-1961213-G-A.
Other names: c.3001G>A, p.Gly1001Arg (NM_001440892.1, NM_001440894.1, NM_133330.3 and 2 more transcripts); c.3100G>A, p.Gly1034Arg (NM_001440893.1); c.2800G>A, p.Gly934Arg (NM_001440896.1); c.2794G>A, p.Gly932Arg (NM_001440897.1, NM_001440898.1); c.2032G>A, p.Gly678Arg (NM_001440899.1, NM_001440900.1); c.2986-132G>A (NM_001440895.1); short protein forms G678R, G934R, G932R, G1001R, G1034R.
Identifiers: ClinVar variation 4772080 (VCV004772080.1).